The following is an entry in ClinVar:

ClinVar aggregate classification (germline): Uncertain significance (1 of 4 stars; one submission).

Submission:

Labcorp Genetics (formerly Invitae), Labcorp
Classification: Uncertain significance. Last evaluated: 2024-08-23. Review status: criteria provided, single submitter. Criteria: Invitae Variant Classification Sherloc (09022015). Collection method: clinical testing. Allele origin: germline.
Comment: This sequence change replaces glycine, which is neutral and non-polar, with arginine, which is basic and polar, at codon 815 of the COL4A3 protein (p.Gly815Arg). This variant is not present in population databases (gnomAD no frequency). This variant has not been reported in the literature in individuals affected with COL4A3-related conditions. Invitae Evidence Modeling of protein sequence and biophysical properties (such as structural, functional, and spatial information, amino acid conservation, physicochemical variation, residue mobility, and thermodynamic stability) indicates that this missense variant is expected to disrupt COL4A3 protein function with a positive predictive value of 80%. In summary, the available evidence is currently insufficient to determine the role of this variant in disease. Therefore, it has been classified as a Variant of Uncertain Significance.

NM_000091.5(COL4A3):c.2443G>A (p.Gly815Arg)

Genes: COL4A3 (collagen type IV alpha 3 chain; plus strand), MFF-DT (MFF divergent transcript; minus strand). Cytogenetic location: 2q36.3.
Variant type: single nucleotide variant.
Coding change: c.2443G>A on transcript NM_000091.5 (MANE Select); coding-DNA position 2443, G replaced by A.
Protein change: p.Gly815Arg; replaces glycine 815 with arginine.
Molecular consequence: missense variant.
Genome position (GRCh38, 1-based): chr2:227,280,961, G>A. VCF-style: chr2-227280961-G-A. GRCh37 (hg19) VCF-style: chr2-228145677-G-A.
Other names: short protein forms G815R.
Identifiers: ClinVar variation 3634128 (VCV003634128.2).